The following is an entry in ClinVar:

ClinVar aggregate classification (germline): Likely benign (1 of 4 stars; one submission).

gnomAD v4.1: 528 of 1,559,362 alleles (0.034%); highest among the groups gnomAD compares: African/African-American, 0.65%; 3 homozygotes.

Submission:

CeGaT Center for Human Genetics Tuebingen
Classification: Likely benign. Last evaluated: 2026-03-01. Review status: criteria provided, single submitter. Criteria: CeGaT Center For Human Genetics Tuebingen Variant Classification Criteria Version 2. Collection method: clinical testing. Allele origin: germline. Affected: yes. Observed: 1 variant allele.
Comment: NBEA: BS1

NM_001385012.1(NBEA):c.7618-1G>T

Gene: NBEA (neurobeachin; plus strand). Cytogenetic location: 13q13.3.
Variant type: single nucleotide variant.
Coding change: c.7618-1G>T on transcript NM_001385012.1 (MANE Select); the canonical splice acceptor site of the intron before coding-DNA position 7618, G replaced by T.
Molecular consequence: splice acceptor variant. On other transcripts: intron variant (2).
Genome position (GRCh38, 1-based): chr13:35,645,868, G>T. VCF-style: chr13-35645868-G-T. GRCh37 (hg19) VCF-style: chr13-36220005-G-T.
Other names: c.7618-391G>T (NM_015678.5); c.7609-1G>T (NM_001379245.1); c.997-391G>T (NM_001204197.3).
Identifiers: ClinVar variation 4820709 (VCV004820709.4).